The following is an entry in ClinVar:

ClinVar aggregate classification (germline): Uncertain significance (1 of 4 stars; one submission).

Conditions:
SCAPER-related disorder. Also called: SCAPER-related condition.

gnomAD v4.1: 2 of 1,611,246 alleles (0.00012%); highest among the groups gnomAD compares: African/African-American, 0.0013%; no homozygotes.

Submission:

PreventionGenetics, part of Exact Sciences
Classification: Uncertain significance for SCAPER-related condition. Last evaluated: 2026-08-10. Review status: criteria provided, single submitter. Criteria: ACMG Guidelines, 2015. Collection method: clinical testing. Allele origin: germline.
Comment: The SCAPER c.2806T>C variant is predicted to result in the amino acid substitution p.Ser936Pro. To our knowledge, this variant has not been reported in the literature. This variant has not been reported in a large population database (gnomAD); however, the coverage of this variant should be interpreted with caution. At this time, the clinical significance of this variant is uncertain due to the absence of conclusive functional and genetic evidence.

NM_020843.4(SCAPER):c.2788T>C (p.Ser930Pro)

Gene: SCAPER (S-phase cyclin A associated protein in the ER; minus strand). Cytogenetic location: 15q24.3.
Variant type: single nucleotide variant.
Coding change: c.2788T>C on transcript NM_020843.4 (MANE Select); coding-DNA position 2788, T replaced by C.
Protein change: p.Ser930Pro; replaces serine 930 with proline.
Molecular consequence: missense variant. On other transcripts: non-coding transcript variant (1).
Genome position (GRCh38, 1-based): chr15:76,574,208, A>G on the plus strand (T>C on the coding strand, the complement: SCAPER is on the minus strand). VCF-style: chr15-76574208-A-G. GRCh37 (hg19) VCF-style: chr15-76866549-A-G.
Other names: c.2050T>C, p.Ser684Pro (NM_001145923.2); c.2806T>C, p.Ser936Pro (NM_001353009.2); c.2386T>C, p.Ser796Pro (NM_001353010.2, NM_001353012.2); c.2404T>C, p.Ser802Pro (NM_001353011.2); short protein forms S802P, S930P, S684P, S796P, S936P.
Identifiers: ClinVar variation 4981794 (VCV004981794.1).